The following is an entry in ClinVar:

ClinVar aggregate classification (germline): Pathogenic. Review status: criteria provided, multiple submitters, no conflicts (2 of 4 stars). 9 submissions from 9 submitters: Pathogenic (8). 1 of the submissions does not count toward it. Last evaluated 2025-09-26.

Conditions:
ASL-related disorder. Also called: ASL-related condition.
Neurodevelopmental disorder. Identifiers: MedGen C1535926, MeSH D065886, MONDO:0700092.
Argininosuccinate lyase deficiency. Also called: Argininosuccinic aciduria; ARGININOSUCCINIC ACID LYASE DEFICIENCY; ASL DEFICIENCY. Identifiers: Orphanet 23, MedGen C0268547, MONDO:0008815, OMIM 207900, HP:0025630.

Submissions (9):

Natera, Inc.
Classification: Pathogenic for Argininosuccinate lyase deficiency. Last evaluated: 2025-09-26. Review status: criteria provided, single submitter. Criteria: Natera Variant Classification Schema (03/2026). Collection method: clinical testing. Allele origin: germline.
Comment: The c.1045_1057delGTCATCTCTACGC variant in ASL is a frameshift variant predicted to shift the reading frame beginning at codon 349 and leads to a stop codon 72 codons downstream. This variant is expected to result in nonsense mediated decay, truncation, or a dysfunctional protein product. This variant is rare in the general population with a frequency below the threshold expected for the associated phenotype(s). This variant has been observed in one or more individuals affected with the associated recessive disease, as either homozygous or compound heterozygous with a second variant (PMID: 24166829). Given the available evidence, this variant is classified as Pathogenic.

Labcorp Genetics (formerly Invitae), Labcorp
Classification: Pathogenic for Argininosuccinate lyase deficiency. Last evaluated: 2025-05-30. Review status: criteria provided, single submitter. Criteria: Invitae Variant Classification Sherloc (09022015). Collection method: clinical testing. Allele origin: germline.
Comment: This sequence change creates a premature translational stop signal (p.Val349Cysfs*72) in the ASL gene. RNA analysis indicates that this premature translational stop signal induces altered splicing and likely results in a shortened protein product. This variant is present in population databases (rs762010471, gnomAD 0.006%). This premature translational stop signal has been observed in individuals with argininosuccinate lyase deficiency (PMID: 1705937, 16941645, 24166829). ClinVar contains an entry for this variant (Variation ID: 203629). Algorithms developed to predict the effect of variants on gene product structure and function are not available or were not evaluated for this variant. Experimental studies have shown that this premature translational stop signal affects ASL function (PMID: 31943503). Studies have shown that this premature translational stop signal results in skipping of exon 14 (also known as exon 13), but is expected to preserve the integrity of the reading-frame (PMID: 16941645). For these reasons, this variant has been classified as Pathogenic.

CeGaT Center for Human Genetics Tuebingen
Classification: Pathogenic. Last evaluated: 2025-05-01. Review status: criteria provided, single submitter. Criteria: CeGaT Center For Human Genetics Tuebingen Variant Classification Criteria Version 2. Collection method: clinical testing. Allele origin: germline. Affected: yes. Observed: 2 variant alleles.
Comment: ASL: PVS1, PM2, PM3:Supporting

GeneDx
Classification: Pathogenic. Last evaluated: 2024-10-22. Review status: criteria provided, single submitter. Criteria: GeneDx Variant Classification Process June 2021. Collection method: clinical testing. Allele origin: germline. Affected: yes.
Comment: Frameshift variant predicted to result in abnormal protein length as the last 116 amino acid(s) are replaced with 71 different amino acid(s), and other similar variants have been reported in HGMD; Gel-based analysis of mRNA derived from patient fibroblast cells harboring c.1045_1057del found that this variant frequently results in exon skipping (PMID: 1705937); Not observed at significant frequency in large population cohorts (gnomAD); This variant is associated with the following publications: (PMID: 9045711, 21710918, 31943503, 1705937)

Blueprint Genetics
Classification: Pathogenic for ASL-related disorders. Last evaluated: 2024-08-14. Review status: criteria provided, single submitter. Criteria: ACMG Guidelines, 2015. Collection method: clinical testing. Allele origin: germline. Affected: yes. Observed: 5 variant alleles.

Baylor Genetics
Classification: Pathogenic for Argininosuccinate lyase deficiency. Last evaluated: 2024-03-03. Review status: criteria provided, single submitter. Criteria: ACMG Guidelines, 2015. Collection method: clinical testing. Allele origin: unknown.

Laboratory of Molecular Genetics (Pr. Bezieau's lab), CHU de Nantes
Classification: Pathogenic for Neurodevelopmental disorder. Last evaluated: 2023-03-08. Review status: criteria provided, single submitter. Criteria: ACMG Guidelines, 2015. Collection method: clinical testing. Allele origin: germline. Affected: yes.

Women's Health and Genetics/Laboratory Corporation of America, LabCorp
Classification: Pathogenic for Argininosuccinate lyase deficiency. Last evaluated: 2021-06-16. Review status: criteria provided, single submitter. Criteria: LabCorp Variant Classification Summary - May 2015. Collection method: clinical testing. Allele origin: germline.
Comment: Variant summary: ASL c.1045_1057del13 (p.Val349CysfsX72) results in a premature termination codon, predicted to cause a truncation of the encoded protein or absence of the protein due to nonsense mediated decay, which are commonly known mechanisms for disease. Truncations downstream of this position have been classified as pathogenic by our laboratory. The variant allele was found at a frequency of 3.6e-05 in 250612 control chromosomes (gnomAD). c.1045_1057del13 has been reported in the literature in multiple individuals affected with Argininosuccinic Aciduria (Barbosa_1991, Walker_1997, Beck_2011, Balmer_2014, Zielonka_2020). These data indicate that the variant is very likely to be associated with disease. At least one publication reports this deletion apparently causes exon skipping (Barbosa_1991). Four submitters (evaluation after 2014) cite the variant as pathogenic (n=3) and likely pathogenic (n=1). Based on the evidence outlined above, the variant was classified as pathogenic.

Counsyl
Classification: Pathogenic for Argininosuccinate lyase deficiency. Last evaluated: 2017-08-01. Review status: no assertion criteria provided. Collection method: clinical testing. Allele origin: unknown. Not counted in ClinVar's aggregate classification.

Literature cited by the submitters: PubMed 24166829 (cited by 4 submitters); PubMed 1705937 (cited by 3 submitters); PubMed 16941645 (cited by Labcorp Genetics (formerly Invitae), Labcorp); PubMed 31943503 (cited by Labcorp Genetics (formerly Invitae), Labcorp and Women's Health and Genetics/Laboratory Corporation of America, LabCorp); PubMed 12384776 (cited by Women's Health and Genetics/Laboratory Corporation of America, LabCorp); PubMed 21710918 (cited by Women's Health and Genetics/Laboratory Corporation of America, LabCorp); PubMed 9045711 (cited by Women's Health and Genetics/Laboratory Corporation of America, LabCorp).

NM_000048.4(ASL):c.1045_1057del (p.Val349fs)

Gene: ASL (argininosuccinate lyase; plus strand). Cytogenetic location: 7q11.21.
Variant type: Deletion.
Coding change: c.1045_1057del on transcript NM_000048.4 (MANE Select); coding-DNA positions 1045 to 1057, 13 bases deleted (GTCATCTCTACGC).
Protein change: p.Val349fs; shifts the reading frame from valine 349.
Molecular consequence: frameshift variant.
Genome position (GRCh38, 1-based): chr7:66,089,678-66,089,690, GTCATCTCTACGC deleted; deleting any 13 consecutive bases within chr7:66,089,676-66,089,690 gives the same sequence; the c. name uses the placement nearest the transcript's 3' end. VCF-style (leftmost placement, unchanged base first): chr7-66089675-GGCGTCATCTCTAC-G. GRCh37 (hg19) VCF-style: chr7-65554662-GGCGTCATCTCTAC-G.
Other names: c.1045_1057del13 (NM_000048.3); c.1045_1057del, p.Val349fs (NM_001024943.2); c.985_997del, p.Val329fs (NM_001024944.2); c.967_979del, p.Val323fs (NM_001024946.2); c.1045_1057delGTCATCTCTACGC (NM_000048.3); short protein forms V329fs, V349fs, V323fs.
Identifiers: ClinVar variation 203629 (VCV000203629.28), dbSNP rs796051933, ClinGen allele CA312349.